The following is an entry in ClinVar:

ClinVar aggregate classification (germline): Uncertain significance. Review status: criteria provided, multiple submitters, no conflicts (2 of 4 stars). 6 submissions from 6 submitters: Uncertain significance (6). Last evaluated 2026-04-17.

Conditions:
Long QT syndrome (LQTS). Identifiers: MedGen C0023976, MeSH D008133, MONDO:0002442. Disease mechanism: loss of function. Inheritance: Various modes of inheritance.
Cardiac arrhythmia, ankyrin-B-related. Also called: ANKYRIN-B SYNDROME. Identifiers: Orphanet 101016, Orphanet 768, MedGen C1970119, MONDO:0010958, OMIM 600919.
Cardiovascular phenotype. Identifiers: MedGen CN230736.

Allele frequency attached by ClinVar (database versions not stated): ExAC 0.00002; gnomAD exomes 0.00002; gnomAD 0.00007; TOPMed 0.00008.
gnomAD v4.1: 18 of 1,613,978 alleles (0.0011%); highest among the groups gnomAD compares: African/African-American, 0.023%; no homozygotes.

Submissions (6):

Women's Health and Genetics/Laboratory Corporation of America, LabCorp
Classification: Uncertain significance. Last evaluated: 2026-04-17. Review status: criteria provided, single submitter. Criteria: LabCorp Variant Classification Summary - May 2015. Collection method: clinical testing. Allele origin: germline.

Molecular Diagnostic Laboratory for Inherited Cardiovascular Disease, Montreal Heart Institute
Classification: Uncertain significance for Cardiovascular phenotype. Last evaluated: 2025-04-09. Review status: criteria provided, single submitter. Criteria: ACMG Guidelines, 2015. Collection method: clinical testing. Allele origin: germline. Affected: yes.

Labcorp Genetics (formerly Invitae), Labcorp
Classification: Uncertain significance for Long QT syndrome. Last evaluated: 2025-03-04. Review status: criteria provided, single submitter. Criteria: Invitae Variant Classification Sherloc (09022015). Collection method: clinical testing. Allele origin: germline.
Comment: This sequence change replaces alanine, which is neutral and non-polar, with threonine, which is neutral and polar, at codon 3485 of the ANK2 protein (p.Ala3485Thr). This variant is present in population databases (rs754354916, gnomAD 0.02%). This variant has not been reported in the literature in individuals affected with ANK2-related conditions. ClinVar contains an entry for this variant (Variation ID: 665355). An algorithm developed to predict the effect of missense changes on protein structure and function (PolyPhen-2) suggests that this variant is likely to be disruptive. In summary, the available evidence is currently insufficient to determine the role of this variant in disease. Therefore, it has been classified as a Variant of Uncertain Significance.

Fulgent Genetics
Classification: Uncertain significance for Cardiac arrhythmia, ankyrin-B-related. Last evaluated: 2021-08-13. Review status: criteria provided, single submitter. Criteria: ACMG Guidelines, 2015. Collection method: clinical testing. Allele origin: unknown.

Ambry Genetics
Classification: Uncertain significance for Cardiovascular phenotype. Last evaluated: 2021-04-27. Review status: criteria provided, single submitter. Criteria: Ambry Variant Classification Scheme 2023. Collection method: clinical testing. Allele origin: germline.
Comment: The p.A3485T variant (also known as c.10453G>A), located in coding exon 38 of the ANK2 gene, results from a G to A substitution at nucleotide position 10453. This exon is expressed solely in brain (Mohler PJ et al. Circulation. 2007;115(4):432-41). The alanine at codon 3485 is replaced by threonine, an amino acid with similar properties. This amino acid position is highly conserved in available vertebrate species. In addition, this alteration is predicted to be deleterious by in silico analysis. Since supporting evidence is limited at this time, the clinical significance of this alteration remains unclear.

GeneDx
Classification: Uncertain significance. Last evaluated: 2019-10-21. Review status: criteria provided, single submitter. Criteria: GeneDx Variant Classification Process June 2021. Collection method: clinical testing. Allele origin: germline. Affected: yes.
Comment: Has not been previously published as pathogenic or benign to our knowledge; In silico analysis, which includes protein predictors and evolutionary conservation, supports that this variant does not alter protein structure/function; Reported in ClinVar as a variant of uncertain significance by another clinical laboratory (ClinVar Variant ID 665355; Landrum et al., 2016)

NM_001148.6(ANK2):c.10453G>A (p.Ala3485Thr)

Gene: ANK2 (ankyrin 2; plus strand). Cytogenetic location: 4q26.
Variant type: single nucleotide variant.
Coding change: c.10453G>A on transcript NM_001148.6 (MANE Select); coding-DNA position 10453, G replaced by A.
Protein change: p.Ala3485Thr; replaces alanine 3485 with threonine.
Molecular consequence: missense variant. On other transcripts: intron variant (68).
Genome position (GRCh38, 1-based): chr4:113,359,071, G>A. VCF-style: chr4-113359071-G-A. GRCh37 (hg19) VCF-style: chr4-114280227-G-A.
Other names: c.10219G>A, p.Ala3407Thr (NM_001386142.1); c.6853G>A, p.Ala2285Thr (NM_001386166.1); c.10594G>A, p.Ala3532Thr (NM_001386174.1); c.10570G>A, p.Ala3524Thr (NM_001386175.1); c.4412-1752G>A (NM_001386186.2, NM_001386148.2); c.4214-1752G>A (NM_001354269.3); c.4292-1752G>A (NM_001386187.2); c.4253-1752G>A (NM_001386147.1); and 36 more; short protein forms A3485T, A2285T, A3407T, A3524T, A3532T.
Identifiers: ClinVar variation 665355 (VCV000665355.14), dbSNP rs754354916, ClinGen allele CA3052073.